The following is an entry in ClinVar:

ClinVar aggregate classification (germline): Likely benign (1 of 4 stars; one submission).

gnomAD v4.1: 23 of 1,613,992 alleles (0.0014%); highest among the groups gnomAD compares: Non-Finnish European, 0.0018%; no homozygotes.

Submission:

CeGaT Center for Human Genetics Tuebingen
Classification: Likely benign. Last evaluated: 2025-08-01. Review status: criteria provided, single submitter. Criteria: CeGaT Center For Human Genetics Tuebingen Variant Classification Criteria Version 2. Collection method: clinical testing. Allele origin: germline. Affected: yes. Observed: 1 variant allele.
Comment: AARS2: BP4, BP7

NM_020745.4(AARS2):c.2586G>C (p.Leu862=)

Gene: AARS2 (alanyl-tRNA synthetase 2, mitochondrial; minus strand). Cytogenetic location: 6p21.1.
Variant type: single nucleotide variant.
Coding change: c.2586G>C on transcript NM_020745.4 (MANE Select); coding-DNA position 2586, G replaced by C.
Protein change: p.Leu862=; no amino-acid change (leucine 862 retained).
Molecular consequence: synonymous variant.
Genome position (GRCh38, 1-based): chr6:44,302,072, C>G on the plus strand (G>C on the coding strand, the complement: AARS2 is on the minus strand). VCF-style: chr6-44302072-C-G. GRCh37 (hg19) VCF-style: chr6-44269809-C-G.
Identifiers: ClinVar variation 4084438 (VCV004084438.8).